The following is an entry in ClinVar:

NM_001267550.2(TTN):c.35939T>A (p.Ile11980Asn)

Gene: TTN (titin; minus strand). Cytogenetic location: 2q31.2.
Variant type: single nucleotide variant.
Coding change: c.35939T>A on transcript NM_001267550.2 (MANE Select); coding-DNA position 35939, T replaced by A.
Protein change: p.Ile11980Asn; replaces isoleucine 11980 with asparagine.
Molecular consequence: missense variant. On other transcripts: intron variant (5).
Genome position (GRCh38, 1-based): chr2:178,665,728, A>T on the plus strand (T>A on the coding strand, the complement: TTN is on the minus strand). VCF-style: chr2-178665728-A-T. GRCh37 (hg19) VCF-style: chr2-179530455-A-T.
Other names: c.13283-23411T>A (NM_003319.4); c.13859-23411T>A (NM_133437.4); c.13658-23411T>A (NM_133432.3); c.31484-2673T>A (NM_133378.4); c.34265-2673T>A (NM_001256850.1); short protein forms I11980N.
Identifiers: ClinVar variation 4975314 (VCV004975314.1).
Genomic context (GRCh38, chr2:178,665,728, plus strand): 5'-CTCTAATAAATGAAGGAAGGAATGGCAGGATGAACGATACCTTTAGTGGGAGGTATTTCA[A>T]TTTCAAGGGGAGCAGCCATGGGTGTTTCCTTTACAGGGACAATTTCTCGAGGTGATTCAG-3'
Protein context (NP_001254479.2, residues 11970-11990): KETPMAAPLE[Ile11980Asn]EIPPTKAPEA

ClinVar aggregate classification (germline): Uncertain significance (1 of 4 stars; one submission).

gnomAD v4.1: 6 of 1,340,098 alleles (0.00045%); highest among the groups gnomAD compares: Admixed American, 0.014%; no homozygotes.

Submission:

GeneDx
Classification: Uncertain significance. Last evaluated: 2026-01-27. Review status: criteria provided, single submitter. Criteria: GeneDx Variant Classification Process June 2021. Collection method: clinical testing. Allele origin: germline.
Comment: Not observed at significant frequency in large population cohorts (gnomAD); Missense variant in a gene in which most reported pathogenic variants are truncating/loss of function; Has not been previously published as pathogenic or benign to our knowledge